The following is an entry in ClinVar:

NM_015650.4(TRAF3IP1):c.1281A>C (p.Ala427=)

Gene: TRAF3IP1 (TRAF3 interacting protein 1; plus strand). Cytogenetic location: 2q37.3.
Variant type: single nucleotide variant.
Coding change: c.1281A>C on transcript NM_015650.4 (MANE Select); coding-DNA position 1281, A replaced by C.
Protein change: p.Ala427=; no amino-acid change (alanine 427 retained).
Molecular consequence: synonymous variant.
Genome position (GRCh38, 1-based): chr2:238,347,474, A>C. VCF-style: chr2-238347474-A-C. GRCh37 (hg19) VCF-style: chr2-239256115-A-C.
Other names: c.1083A>C, p.Ala361= (NM_001139490.1).
Identifiers: ClinVar variation 2022648 (VCV002022648.4), dbSNP rs1698947175, ClinGen allele CA431969179.

ClinVar aggregate classification (germline): Uncertain significance (1 of 4 stars; one submission).

Submission:

Labcorp Genetics (formerly Invitae), Labcorp
Classification: Uncertain significance. Last evaluated: 2022-08-07. Review status: criteria provided, single submitter. Criteria: Invitae Variant Classification Sherloc (09022015). Collection method: clinical testing. Allele origin: germline.
Comment: In summary, the available evidence is currently insufficient to determine the role of this variant in disease. Therefore, it has been classified as a Variant of Uncertain Significance. Algorithms developed to predict the effect of sequence changes on RNA splicing suggest that this variant may disrupt the consensus splice site. This variant has not been reported in the literature in individuals affected with TRAF3IP1-related conditions. This variant is not present in population databases (gnomAD no frequency). This sequence change affects codon 427 of the TRAF3IP1 mRNA. It is a 'silent' change, meaning that it does not change the encoded amino acid sequence of the TRAF3IP1 protein. It affects a nucleotide within the consensus splice site.